The following is an entry in ClinVar:

NM_001145715.3(KPNA7):c.935C>T (p.Thr312Met)

Gene: KPNA7 (karyopherin subunit alpha 7; minus strand). Cytogenetic location: 7q22.1.
Variant type: single nucleotide variant.
Coding change: c.935C>T on transcript NM_001145715.3 (MANE Select); coding-DNA position 935, C replaced by T.
Protein change: p.Thr312Met; replaces threonine 312 with methionine.
Molecular consequence: missense variant.
Genome position (GRCh38, 1-based): chr7:99,185,128, G>A on the plus strand (C>T on the coding strand, the complement: KPNA7 is on the minus strand). VCF-style: chr7-99185128-G-A. GRCh37 (hg19) VCF-style: chr7-98782751-G-A.
Other names: short protein forms T312M.
Identifiers: ClinVar variation 1486136 (VCV001486136.4), dbSNP rs781698338, ClinGen allele CA4363158.
Genomic context (GRCh38, chr7:99,185,128, plus strand): 5'-TGGGGGAGCACGTTCAGCATACCCGCATCAATGGCCATCTGCGTCTGCTCATCTGTGCCC[G>A]TGACAATGTTCCCCACGGTGCGGAGAGAAGGAGTCTGGAAGAGCAAGGCTAGAAGTCTAA-3'
Protein context (NP_001139187.1, residues 302-322): PSLRTVGNIV[Thr312Met]GTDEQTQMAI

ClinVar aggregate classification (germline): Uncertain significance (1 of 4 stars; one submission).

Allele frequency attached by ClinVar (database versions not stated): gnomAD 0.00001; gnomAD exomes 0.00001; TOPMed 0.00001; ExAC 0.00004.
gnomAD v4.1: 18 of 1,551,932 alleles (0.0012%); highest among the groups gnomAD compares: South Asian, 0.0036%; no homozygotes.

Submission:

Labcorp Genetics (formerly Invitae), Labcorp
Classification: Uncertain significance. Last evaluated: 2022-02-09. Review status: criteria provided, single submitter. Criteria: Invitae Variant Classification Sherloc (09022015). Collection method: clinical testing. Allele origin: germline.
Comment: Algorithms developed to predict the effect of missense changes on protein structure and function are either unavailable or do not agree on the potential impact of this missense change (SIFT: "Deleterious"; PolyPhen-2: "Probably Damaging"; Align-GVGD: "Class C0"). This variant has not been reported in the literature in individuals affected with KPNA7-related conditions. This variant is present in population databases (rs781698338, gnomAD 0.004%). This sequence change replaces threonine, which is neutral and polar, with methionine, which is neutral and non-polar, at codon 312 of the KPNA7 protein (p.Thr312Met). In summary, the available evidence is currently insufficient to determine the role of this variant in disease. Therefore, it has been classified as a Variant of Uncertain Significance.